The following is an entry in ClinVar:

ClinVar aggregate classification (germline): Uncertain significance (1 of 4 stars; one submission).

Conditions:
Joubert syndrome. Also called: CEREBELLOPARENCHYMAL DISORDER IV; JOUBERT-BOLTSHAUSER SYNDROME; Familial aplasia of the vermis. Identifiers: Orphanet 475, MedGen C5979921, MONDO:0018772.
Meckel-Gruber syndrome. Also called: DYSENCEPHALIA SPLANCHNOCYSTICA; GRUBER SYNDROME; Dysencephalia splachnocystica. Identifiers: Orphanet 564, MedGen C0265215, MONDO:0018921.

Submission:

Labcorp Genetics (formerly Invitae), Labcorp
Classification: Uncertain significance for Joubert syndrome; Meckel-Gruber syndrome. Last evaluated: 2022-11-10. Review status: criteria provided, single submitter. Criteria: Invitae Variant Classification Sherloc (09022015). Collection method: clinical testing. Allele origin: germline.
Comment: This variant is not present in population databases (gnomAD no frequency). This sequence change replaces valine, which is neutral and non-polar, with alanine, which is neutral and non-polar, at codon 182 of the TCTN2 protein (p.Val182Ala). This variant has not been reported in the literature in individuals affected with TCTN2-related conditions. Algorithms developed to predict the effect of missense changes on protein structure and function (SIFT, PolyPhen-2, Align-GVGD) all suggest that this variant is likely to be tolerated. In summary, the available evidence is currently insufficient to determine the role of this variant in disease. Therefore, it has been classified as a Variant of Uncertain Significance.

NM_024809.5(TCTN2):c.545T>C (p.Val182Ala)

Gene: TCTN2 (tectonic family member 2; plus strand). Cytogenetic location: 12q24.31.
Variant type: single nucleotide variant.
Coding change: c.545T>C on transcript NM_024809.5 (MANE Select); coding-DNA position 545, T replaced by C.
Protein change: p.Val182Ala; replaces valine 182 with alanine.
Molecular consequence: missense variant.
Genome position (GRCh38, 1-based): chr12:123,679,270, T>C. VCF-style: chr12-123679270-T-C. GRCh37 (hg19) VCF-style: chr12-124163817-T-C.
Other names: c.542T>C, p.Val181Ala (NM_001143850.3); c.545T>C, p.Val182Ala (NM_001410989.1); short protein forms V181A, V182A.
Identifiers: ClinVar variation 2941402 (VCV002941402.3), dbSNP rs2541760615, ClinGen allele CA387159434.